The following is an entry in ClinVar:

NM_005475.3(SH2B3):c.946G>C (p.Glu316Gln)

Gene: SH2B3 (SH2B adaptor protein 3; plus strand). Cytogenetic location: 12q24.12.
Variant type: single nucleotide variant.
Coding change: c.946G>C on transcript NM_005475.3 (MANE Select); coding-DNA position 946, G replaced by C.
Protein change: p.Glu316Gln; replaces glutamic acid 316 with glutamine.
Molecular consequence: missense variant.
Genome position (GRCh38, 1-based): chr12:111,447,144, G>C. VCF-style: chr12-111447144-G-C. GRCh37 (hg19) VCF-style: chr12-111884948-G-C.
Other names: c.340G>C, p.Glu114Gln (NM_001291424.1); short protein forms E316Q, E114Q.
Identifiers: ClinVar variation 4163999 (VCV004163999.1).

ClinVar aggregate classification (germline): Uncertain significance (1 of 4 stars; one submission).

Conditions:
Inborn genetic diseases. Identifiers: MedGen C0950123, MeSH D030342.

Submission:

Ambry Genetics
Classification: Uncertain significance for Inborn genetic diseases. Last evaluated: 2025-08-20. Review status: criteria provided, single submitter. Criteria: Ambry Variant Classification Scheme 2023. Collection method: clinical testing. Allele origin: germline.
Comment: The p.E316Q variant (also known as c.946G>C), located in coding exon 4 of the SH2B3 gene, results from a G to C substitution at nucleotide position 946. The glutamic acid at codon 316 is replaced by glutamine, an amino acid with highly similar properties. This amino acid position is conserved. In addition, this alteration is predicted to be tolerated by in silico analysis. Based on the available evidence, the clinical significance of this variant remains unclear.